The following is an entry in ClinVar:

NM_015492.5(PRMT2IP):c.1775G>A (p.Arg592His)

Gene: PRMT2IP (PRMT2 interacting protein; plus strand). Cytogenetic location: 15q24.2.
Variant type: single nucleotide variant.
Coding change: c.1775G>A on transcript NM_015492.5 (MANE Select); coding-DNA position 1775, G replaced by A.
Protein change: p.Arg592His; replaces arginine 592 with histidine.
Molecular consequence: missense variant.
Genome position (GRCh38, 1-based): chr15:75,207,823, G>A. VCF-style: chr15-75207823-G-A. GRCh37 (hg19) VCF-style: chr15-75500164-G-A.
Other names: short protein forms R592H.
Identifiers: ClinVar variation 2645553 (VCV002645553.24), dbSNP rs144091400, ClinGen allele CA7663980.

ClinVar aggregate classification (germline): Likely benign (1 of 4 stars; one submission).

Allele frequency attached by ClinVar (database versions not stated): 1000 Genomes Project 30x 0.00031; 1000 Genomes Project 0.00040; ExAC 0.00335; gnomAD 0.00339; TOPMed 0.00368; ESP Exome Variant Server 0.00478.
gnomAD v4.1: 7,872 of 1,612,366 alleles (0.49%); highest among the groups gnomAD compares: Non-Finnish European, 0.59%; 26 homozygotes.

Submission:

CeGaT Center for Human Genetics Tuebingen
Classification: Likely benign. Last evaluated: 2023-03-01. Review status: criteria provided, single submitter. Criteria: CeGaT Center For Human Genetics Tuebingen Variant Classification Criteria Version 2. Collection method: clinical testing. Allele origin: germline. Affected: yes. Observed: 2 variant alleles.
Comment: PRMT2IP: BP4, BS2